The following is an entry in ClinVar:

NM_001276345.2(TNNT2):c.751T>C (p.Tyr251His)

Gene: TNNT2 (troponin T2, cardiac type; minus strand). Cytogenetic location: 1q32.1.
Variant type: single nucleotide variant.
Coding change: c.751T>C on transcript NM_001276345.2 (MANE Select); coding-DNA position 751, T replaced by C.
Protein change: p.Tyr251His; replaces tyrosine 251 with histidine.
Molecular consequence: missense variant.
Genome position (GRCh38, 1-based): chr1:201,361,338, A>G on the plus strand (T>C on the coding strand, the complement: TNNT2 is on the minus strand). VCF-style: chr1-201361338-A-G. GRCh37 (hg19) VCF-style: chr1-201330466-A-G.
Other names: c.742T>C, p.Tyr248His (NM_000364.4); c.721T>C, p.Tyr241His (NM_001001430.3, NM_001276347.2); c.712T>C, p.Tyr238His (NM_001001431.3); c.703T>C, p.Tyr235His (NM_001001432.3); c.622T>C, p.Tyr208His (NM_001276346.2); short protein forms Y208H, Y235H, Y238H, Y241H, Y248H, Y251H.
Identifiers: ClinVar variation 1332481 (VCV001332481.4), dbSNP rs1571600689, ClinGen allele CA344202741.

ClinVar aggregate classification (germline): Uncertain significance. Review status: criteria provided, multiple submitters, no conflicts (2 of 4 stars). 2 submissions from 2 submitters: Uncertain significance (2). Last evaluated 2024-03-06.

Conditions:
Cardiomyopathy (CMYO). Also called: Cardiomyopathies. Identifiers: Orphanet 167848, MedGen C0878544, MONDO:0004994, HP:0001638. Inheritance: Various modes of inheritance.

Allele frequency attached by ClinVar (database versions not stated): gnomAD exomes below 0.00001.
gnomAD v4.1: 2 of 1,614,138 alleles (0.00012%); highest among the groups gnomAD compares: South Asian, 0.0011%; no homozygotes.

Submissions (2):

Color Diagnostics, LLC DBA Color Health
Classification: Uncertain significance for Cardiomyopathy. Last evaluated: 2024-03-06. Review status: criteria provided, single submitter. Criteria: ACMG Guidelines, 2015. Collection method: clinical testing. Allele origin: germline.
Comment: This missense variant replaces tyrosine with histidine at codon 241 of the TNNT2 protein. Computational prediction suggests that this variant may not impact protein structure and function (internally defined REVEL score threshold <= 0.5, PMID: 27666373). To our knowledge, functional studies have not been reported for this variant. This variant has not been reported in individuals affected with cardiovascular disorders in the literature. This variant has not been identified in the general population by the Genome Aggregation Database (gnomAD). The available evidence is insufficient to determine the role of this variant in disease conclusively. Therefore, this variant is classified as a Variant of Uncertain Significance.

Breakthrough Genomics
Classification: Uncertain significance. Review status: criteria provided, single submitter. Criteria: ACMG Guidelines, 2015. Collection method: not provided. Allele origin: germline. Inheritance: Autosomal dominant inheritance. Affected: yes.